The following is an entry in ClinVar:

ClinVar aggregate classification (germline): Uncertain significance (1 of 4 stars; one submission).

Conditions:
LAMA2-related muscular dystrophy (LAMA2-RD). Also called: Laminin alpha 2-related dystrophy. Identifiers: MedGen C5679788, MONDO:0100228.

Submission:

Labcorp Genetics (formerly Invitae), Labcorp
Classification: Uncertain significance for LAMA2-related muscular dystrophy. Last evaluated: 2022-06-28. Review status: criteria provided, single submitter. Criteria: Invitae Variant Classification Sherloc (09022015). Collection method: clinical testing. Allele origin: germline.
Comment: In summary, the available evidence is currently insufficient to determine the role of this variant in disease. Therefore, it has been classified as a Variant of Uncertain Significance. Variants that disrupt the consensus splice site are a relatively common cause of aberrant splicing (PMID: 17576681, 9536098). Algorithms developed to predict the effect of sequence changes on RNA splicing suggest that this variant may create or strengthen a splice site. This variant has not been reported in the literature in individuals affected with LAMA2-related conditions. This variant is not present in population databases (gnomAD no frequency). This sequence change falls in intron 24 of the LAMA2 gene. It does not directly change the encoded amino acid sequence of the LAMA2 protein. It affects a nucleotide within the consensus splice site.

Literature cited by the submitters: PubMed 17576681; PubMed 9536098.

NM_000426.4(LAMA2):c.3555+6T>A

Gene: LAMA2 (laminin subunit alpha 2; plus strand). Cytogenetic location: 6q22.33.
Variant type: single nucleotide variant.
Coding change: c.3555+6T>A on transcript NM_000426.4 (MANE Select); 6 bases into the intron after coding-DNA position 3555, T replaced by A.
Molecular consequence: intron variant.
Genome position (GRCh38, 1-based): chr6:129,314,804, T>A. VCF-style: chr6-129314804-T-A. GRCh37 (hg19) VCF-style: chr6-129635949-T-A.
Other names: c.3555+6T>A (NM_001079823.2).
Identifiers: ClinVar variation 1345681 (VCV001345681.6), dbSNP rs2114499526, ClinGen allele CA2573140462.
Genomic context (GRCh38, chr6:129,314,804, plus strand): 5'-TTGCTTCGGCACTACTACCCAGTGCTCTGAAGCAAAAGGACTGATCCGGACGTGGGTGAG[T>A]AGGGAACTGCTGAGCCATGTAATGGTATAATGTTAGTTCCTGCTGGTGTCTTTTAGTCAG-3'